The following is an entry in ClinVar:

ClinVar aggregate classification (germline): Likely benign (1 of 4 stars; one submission).

Conditions:
Alpha-1-antitrypsin deficiency (A1ATD). Also called: AAT deficiency; A1AT deficiency; Alpha1-Antitrypsin Deficiency. Identifiers: Orphanet 60, MedGen C0221757, MONDO:0013282, OMIM 613490.

Allele frequency attached by ClinVar (database versions not stated): gnomAD exomes 0.00188; gnomAD 0.01413 and 0.01528; 1000 Genomes Project 0.01438; TOPMed 0.01551; 1000 Genomes Project 30x 0.01608.
gnomAD v4.1: 2,564 of 374,328 alleles (0.68%); highest among the groups gnomAD compares: African/African-American, 4.8%; 60 homozygotes.

Submission:

Illumina Laboratory Services, Illumina
Classification: Likely benign for Alpha-1-antitrypsin deficiency. Last evaluated: 2018-01-13. Review status: criteria provided, single submitter. Criteria: ICSL Variant Classification Criteria 13 December 2019. Collection method: clinical testing. Allele origin: germline.
Comment: This variant was observed in the ICSL laboratory as part of a predisposition screen in an ostensibly healthy population. It had not been previously curated by ICSL or reported in the Human Gene Mutation Database (HGMD: prior to June 1st, 2018), and was therefore a candidate for classification through an automated scoring system. Utilizing variant allele frequency, disease prevalence and penetrance estimates, and inheritance mode, an automated score was calculated to assess if this variant is too frequent to cause the disease. Based on the score and internal cut-off values, a variant classified as likely benign is not then subjected to further curation. The score for this variant resulted in a classification of likely benign for this disease.

NM_000295.5(SERPINA1):c.*326A>G

Gene: SERPINA1 (serpin family A member 1; minus strand). Cytogenetic location: 14q32.13.
Variant type: single nucleotide variant.
Coding change: c.*326A>G on transcript NM_000295.5 (MANE Select); 326 bases downstream of the stop codon, A replaced by G.
Molecular consequence: 3 prime UTR variant.
Genome position (GRCh38, 1-based): chr14:94,378,123, T>C on the plus strand (A>G on the coding strand, the complement: SERPINA1 is on the minus strand). VCF-style: chr14-94378123-T-C. GRCh37 (hg19) VCF-style: chr14-94844460-T-C.
Other names: c.*326A>G (NM_001002235.3, NM_001002236.3, NM_001127700.2 and 7 more transcripts).
Identifiers: ClinVar variation 884743 (VCV000884743.4), dbSNP rs7144409, ClinGen allele CA265860498.